The following is an entry in ClinVar:

ClinVar aggregate classification (germline): Uncertain significance. Review status: criteria provided, multiple submitters, no conflicts (2 of 4 stars). 3 submissions from 3 submitters: Uncertain significance (3). Last evaluated 2026-02-07.

Conditions:
Developmental and epileptic encephalopathy, 1 (DEE1). Also called: X-linked infantile spasms; West's syndrome; Tonic spasms with clustering, arrest of psychomotor development and hypsarrhythmia on EEG; X-Linked Infantile Spasm Syndrome; OHTAHARA SYNDROME, X-LINKED; Epileptic encephalopathy, early infantile, 1. Identifiers: MedGen C3463992, MONDO:0010632, OMIM 308350. Disease mechanism: loss of function.
Intellectual disability, X-linked, with or without seizures, ARX-related. Also called: INTELLECTUAL DEVELOPMENTAL DISORDER, X-LINKED 29; Mental retardation, X-linked 52; MENTAL RETARDATION, X-LINKED 29; MENTAL RETARDATION, X-LINKED 32; MENTAL RETARDATION, X-LINKED 33; MENTAL RETARDATION, X-LINKED 38. Identifiers: Orphanet 777, MedGen C0796244, MONDO:0010317, OMIM 300419.
Inborn genetic diseases. Identifiers: MedGen C0950123, MeSH D030342.

Allele frequency attached by ClinVar (database versions not stated): gnomAD 0.00002 and 0.00003; gnomAD exomes 0.00002; TOPMed 0.00003.
gnomAD v4.1: 14 of 754,919 alleles (0.0019%); highest among the groups gnomAD compares: Non-Finnish European, 0.0022%; no homozygotes.

Submissions (3):

GeneDx
Classification: Uncertain significance. Last evaluated: 2026-02-07. Review status: criteria provided, single submitter. Criteria: GeneDx Variant Classification Process June 2021. Collection method: clinical testing. Allele origin: germline.
Comment: Not observed at significant frequency in large population cohorts (gnomAD); In silico analysis suggests that this missense variant does not alter protein structure/function; Has not been previously published as pathogenic or benign to our knowledge

Ambry Genetics
Classification: Uncertain significance for Inborn genetic diseases. Last evaluated: 2024-10-09. Review status: criteria provided, single submitter. Criteria: Ambry Variant Classification Scheme 2023. Collection method: clinical testing. Allele origin: germline.

Labcorp Genetics (formerly Invitae), Labcorp
Classification: Uncertain significance for Developmental and epileptic encephalopathy, 1; Intellectual disability, X-linked, with or without seizures, ARX-related. Last evaluated: 2022-10-17. Review status: criteria provided, single submitter. Criteria: Invitae Variant Classification Sherloc (09022015). Collection method: clinical testing. Allele origin: germline.
Comment: This sequence change replaces aspartic acid, which is acidic and polar, with tyrosine, which is neutral and polar, at codon 140 of the ARX protein (p.Asp140Tyr). The frequency data for this variant in the population databases is considered unreliable, as metrics indicate insufficient coverage at this position in the gnomAD database. This variant has not been reported in the literature in individuals affected with ARX-related conditions. ClinVar contains an entry for this variant (Variation ID: 660461). Advanced modeling of protein sequence and biophysical properties (such as structural, functional, and spatial information, amino acid conservation, physicochemical variation, residue mobility, and thermodynamic stability) performed at Invitae indicates that this missense variant is not expected to disrupt ARX protein function. In summary, the available evidence is currently insufficient to determine the role of this variant in disease. Therefore, it has been classified as a Variant of Uncertain Significance.

NM_139058.3(ARX):c.418G>T (p.Asp140Tyr)

Genes: ARX (aristaless related homeobox; minus strand), LOC109610631 (aristaless related homeobox polyalanine expansion region; plus strand). Cytogenetic location: Xp21.3.
Variant type: single nucleotide variant.
Coding change: c.418G>T on transcript NM_139058.3 (MANE Select); coding-DNA position 418, G replaced by T.
Protein change: p.Asp140Tyr; replaces aspartic acid 140 with tyrosine.
Molecular consequence: missense variant.
Genome position (GRCh38, 1-based): chrX:25,013,577, C>A on the plus strand (G>T on the coding strand, the complement: ARX is on the minus strand). VCF-style: chrX-25013577-C-A. GRCh37 (hg19) VCF-style: chrX-25031694-C-A.
Other names: short protein forms D140Y.
Identifiers: ClinVar variation 660461 (VCV000660461.10), dbSNP rs888222904, ClinGen allele CA327733056.
Genomic context (GRCh38, chrX:25,013,577, plus strand): 5'-TGAGCGTGTCCCAGGCCGCGGCGGCCGCGGCCGCGGCTGCCGCGGCGGCCCCTGCGCCGT[C>A]CGGCCGTTCCCCGGGCCGCGCGGTTGGCGGTGGCGGCGGAGGGGCCTCCCCGCGTGGACC-3'
Protein context (NP_620689.1, residues 130-150): PPTARPGERP[Asp140Tyr]GAGAAAAAAA